The following is an entry in ClinVar:

ClinVar aggregate classification (germline): Uncertain significance (1 of 4 stars; one submission).

Conditions:
Inborn genetic diseases. Identifiers: MedGen C0950123, MeSH D030342.

Allele frequency attached by ClinVar (database versions not stated): gnomAD exomes below 0.00001.
gnomAD v4.1: 1 of 1,614,092 alleles (0.000062%); highest among the groups gnomAD compares: Non-Finnish European, 0.000085%; no homozygotes.

Submission:

Ambry Genetics
Classification: Uncertain significance for Inborn genetic diseases. Last evaluated: 2024-01-14. Review status: criteria provided, single submitter. Criteria: Ambry Variant Classification Scheme 2023. Collection method: clinical testing. Allele origin: germline.
Comment: The p.S1693T variant (also known as c.5078G>C), located in coding exon 29 of the ATR gene, results from a G to C substitution at nucleotide position 5078. The serine at codon 1693 is replaced by threonine, an amino acid with similar properties. This amino acid position is conserved. In addition, this alteration is predicted to be tolerated by in silico analysis. Since supporting evidence is limited at this time, the clinical significance of this alteration remains unclear.

NM_001184.4(ATR):c.5078G>C (p.Ser1693Thr)

Gene: ATR (ATR checkpoint kinase; minus strand). Cytogenetic location: 3q23.
Variant type: single nucleotide variant.
Coding change: c.5078G>C on transcript NM_001184.4 (MANE Select); coding-DNA position 5078, G replaced by C.
Protein change: p.Ser1693Thr; replaces serine 1693 with threonine.
Molecular consequence: missense variant.
Genome position (GRCh38, 1-based): chr3:142,505,257, C>G on the plus strand (G>C on the coding strand, the complement: ATR is on the minus strand). VCF-style: chr3-142505257-C-G. GRCh37 (hg19) VCF-style: chr3-142224099-C-G.
Other names: c.4886G>C, p.Ser1629Thr (NM_001354579.2); short protein forms S1629T, S1693T.
Identifiers: ClinVar variation 3221192 (VCV003221192.1), dbSNP rs1375119564, ClinGen allele CA354820044.